The following is an entry in ClinVar:

ClinVar aggregate classification (germline): Uncertain significance (1 of 4 stars; one submission).

Conditions:
Nephronophthisis-like nephropathy 1 (NPHPL1). Identifiers: Orphanet 655, MedGen C3150419, MONDO:0013163, OMIM 613159.

Allele frequency attached by ClinVar (database versions not stated): TOPMed below 0.00001; gnomAD exomes 0.00001.
gnomAD v4.1: 8 of 1,614,194 alleles (0.0005%); highest among the groups gnomAD compares: Non-Finnish European, 0.00068%; no homozygotes.

Submission:

Labcorp Genetics (formerly Invitae), Labcorp
Classification: Uncertain significance for Nephronophthisis-like nephropathy 1. Last evaluated: 2023-11-27. Review status: criteria provided, single submitter. Criteria: Invitae Variant Classification Sherloc (09022015). Collection method: clinical testing. Allele origin: germline.
Comment: This sequence change replaces valine, which is neutral and non-polar, with methionine, which is neutral and non-polar, at codon 97 of the XPNPEP3 protein (p.Val97Met). This variant is present in population databases (no rsID available, gnomAD 0.002%). This variant has not been reported in the literature in individuals affected with XPNPEP3-related conditions. ClinVar contains an entry for this variant (Variation ID: 1911252). Advanced modeling of protein sequence and biophysical properties (such as structural, functional, and spatial information, amino acid conservation, physicochemical variation, residue mobility, and thermodynamic stability) performed at Invitae indicates that this missense variant is not expected to disrupt XPNPEP3 protein function with a negative predictive value of 80%. In summary, the available evidence is currently insufficient to determine the role of this variant in disease. Therefore, it has been classified as a Variant of Uncertain Significance.

NM_022098.4(XPNPEP3):c.289G>A (p.Val97Met)

Gene: XPNPEP3 (X-prolyl aminopeptidase 3; plus strand). Cytogenetic location: 22q13.2.
Variant type: single nucleotide variant.
Coding change: c.289G>A on transcript NM_022098.4 (MANE Select); coding-DNA position 289, G replaced by A.
Protein change: p.Val97Met; replaces valine 97 with methionine.
Molecular consequence: missense variant.
Genome position (GRCh38, 1-based): chr22:40,881,877, G>A. VCF-style: chr22-40881877-G-A. GRCh37 (hg19) VCF-style: chr22-41277881-G-A.
Other names: short protein forms V97M.
Identifiers: ClinVar variation 1911252 (VCV001911252.3), dbSNP rs1411964080, ClinGen allele CA411676673.